The following is an entry in ClinVar:

ClinVar aggregate classification (germline): Likely benign (0 of 4 stars; one submission).

Conditions:
TGM3-related disorder. Also called: TGM3-related condition.

Allele frequency attached by ClinVar (database versions not stated): ESP Exome Variant Server 0.00054; 1000 Genomes Project 0.00080; 1000 Genomes Project 30x 0.00141.
gnomAD v4.1: 181 of 1,614,162 alleles (0.011%); highest among the groups gnomAD compares: African/African-American, 0.22%; 1 homozygote.

Submission:

PreventionGenetics, part of Exact Sciences
Classification: Likely benign for TGM3-related condition. Last evaluated: 2022-03-08. Review status: no assertion criteria provided. Collection method: clinical testing. Allele origin: germline.
Comment: This variant is classified as likely benign based on ACMG/AMP sequence variant interpretation guidelines (Richards et al. 2015 PMID: 25741868, with internal and published modifications).

NM_003245.4(TGM3):c.1281G>T (p.Ala427=)

Gene: TGM3 (transglutaminase 3; plus strand). Cytogenetic location: 20p13.
Variant type: single nucleotide variant.
Coding change: c.1281G>T on transcript NM_003245.4 (MANE Select); coding-DNA position 1281, G replaced by T.
Protein change: p.Ala427=; no amino-acid change (alanine 427 retained).
Molecular consequence: synonymous variant.
Genome position (GRCh38, 1-based): chr20:2,328,313, G>T. VCF-style: chr20-2328313-G-T. GRCh37 (hg19) VCF-style: chr20-2308959-G-T.
Identifiers: ClinVar variation 3058286 (VCV003058286.2), dbSNP rs34742355, ClinGen allele CA9731134.